The following is an entry in ClinVar:

ClinVar aggregate classification (germline): Uncertain significance. Review status: criteria provided, multiple submitters, no conflicts (2 of 4 stars). 2 submissions from 2 submitters: Uncertain significance (2). Last evaluated 2022-08-15.

Allele frequency attached by ClinVar (database versions not stated): gnomAD 0.00001.

Submissions (2):

Labcorp Genetics (formerly Invitae), Labcorp
Classification: Uncertain significance. Last evaluated: 2022-08-15. Review status: criteria provided, single submitter. Criteria: Invitae Variant Classification Sherloc (09022015). Collection method: clinical testing. Allele origin: germline.
Comment: In summary, the available evidence is currently insufficient to determine the role of this variant in disease. Therefore, it has been classified as a Variant of Uncertain Significance. Algorithms developed to predict the effect of missense changes on protein structure and function output the following: SIFT: "Tolerated"; PolyPhen-2: "Benign"; Align-GVGD: "Class C0". The threonine amino acid residue is found in multiple mammalian species, which suggests that this missense change does not adversely affect protein function. This variant has not been reported in the literature in individuals affected with PLEKHG2-related conditions. This sequence change replaces serine, which is neutral and polar, with threonine, which is neutral and polar, at codon 1110 of the PLEKHG2 protein (p.Ser1110Thr). This variant is present in population databases (no rsID available, gnomAD 0.007%).

Ambry Genetics
Classification: Uncertain significance. Last evaluated: 2021-08-12. Review status: criteria provided, single submitter. Criteria: Ambry Variant Classification Scheme 2023. Collection method: clinical testing. Allele origin: germline.

NM_022835.3(PLEKHG2):c.3328T>A (p.Ser1110Thr)

Gene: PLEKHG2 (pleckstrin homology and RhoGEF domain containing G2; plus strand). Cytogenetic location: 19q13.2.
Variant type: single nucleotide variant.
Coding change: c.3328T>A on transcript NM_022835.3 (MANE Select); coding-DNA position 3328, T replaced by A.
Protein change: p.Ser1110Thr; replaces serine 1110 with threonine.
Molecular consequence: missense variant. On other transcripts: intron variant (1).
Genome position (GRCh38, 1-based): chr19:39,424,461, T>A. VCF-style: chr19-39424461-T-A. GRCh37 (hg19) VCF-style: chr19-39915101-T-A.
Other names: c.3151T>A, p.Ser1051Thr (NM_001351693.2); c.1678-777T>A (NM_001351694.2); short protein forms S1051T, S1110T.
Identifiers: ClinVar variation 2089248 (VCV002089248.5), dbSNP rs1376001843, ClinGen allele CA405805251.